The following continues an entry in ClinVar:

NM_005033.3(EXOSC9):c.41T>C (p.Leu14Pro)

Gene: EXOSC9. ClinVar aggregate classification (germline): Pathogenic/Likely pathogenic. Pathogenic (11); Likely pathogenic (2).

Submissions 11 to 16 of 16:

Dubai Health Genomic Medicine Center, Dubai Health
Classification: Pathogenic for Pontocerebellar Hypoplasia, Type 1d. Last evaluated: 2020-03-19. Review status: criteria provided, single submitter. Criteria: ACMG Guidelines, 2015. Collection method: clinical testing. Allele origin: germline. Affected: yes. Observed: 1 variant allele.
Comment: The p.Leu14Pro variant in EXOSC9 has been previously reported in the homozygous state in 5 unrelated individuals affected with Cerebellar Atrophy With Spinal Motor Neuronopathy (PMID: 29727687, 30125339, 29878067) and in another affected individual who was compound heterozygous with another pathogenic loss of function variant in EXOSC9 (PMID: 29727687). Functional analysis of patient fibroblasts and skeletal muscle showed reduced EXOSC9 protein expression along with reduction of the whole multi-subunit exosome complex (PMID: 29727687). Furthermore, RNA sequencing of patient cells detected significant >2-fold changes in genes involved in neuronal development and cerebellar and motor neuron degeneration. Studies in zebrafish recapitulate aspects of the human phenotype (PMID: 29727687). The p.Leu14Pro variant is observed in 21/24970(0.084%; 0 homozygotes) African alleles in the Genome Aggregation Database (gnomAD). In summary this variant meets our criteria to be classified as pathogenic. The clinical features of the patient highly correlate with the reported features of other patients carrying this variant. Recessive variants in EXOSC9 are associated with Pontocerebellar hypoplasia, type 1d, a severe, early onset progressive, SMS-like motor neuronopathy and cerebellar atrophy.

Mendelics
Classification: Pathogenic for Pontocerebellar hypoplasia, type 1D. Last evaluated: 2019-05-28. Review status: criteria provided, single submitter. Criteria: Mendelics Assertion Criteria 2017. Collection method: clinical testing. Allele origin: unknown.

Equipe Genetique des Anomalies du Developpement, Université de Bourgogne
Classification: Pathogenic for Pontocerebellar hypoplasia, type 1D. Review status: criteria provided, single submitter. Criteria: ACMG Guidelines, 2015. Collection method: clinical testing. Allele origin: biparental. Affected: yes.

OMIM
Classification: Pathogenic for PONTOCEREBELLAR HYPOPLASIA, TYPE 1D. Last evaluated: 2022-05-25. Review status: no assertion criteria provided. Collection method: literature only. Allele origin: germline. Not counted in ClinVar's aggregate classification.

Biochemical Molecular Genetic Laboratory, King Abdulaziz Medical City
Classification: Pathogenic for Pontocerebellar hypoplasia, type 1D. Last evaluated: 2020-10-11. Review status: no assertion criteria provided. Collection method: clinical testing. Allele origin: germline. Affected: yes. Not counted in ClinVar's aggregate classification.

Centre for Arab Genomic Studies, Sheikh Hamdan Award for Medical Sciences
Classification: Pathogenic for Pontocerebellar hypoplasia, type 1D. Last evaluated: 2018-06-15. Review status: no assertion criteria provided. Collection method: clinical testing. Allele origin: inherited. Inheritance: Autosomal recessive inheritance. Affected: yes and no. Observed: 7 heterozygotes, 2 homozygotes. Clinical features observed: Failure to thrive, Short stature, Microbrachycephaly, Hypotonia, Cerebellar atrophy, Cerebellar vermis atrophy, Global developmental delay, Dysphagia, Hyperextensible hand joints, Sacral dimple, Reduced brain N-acetyl aspartate level by MRS, Elevated brain choline level by MRS, and 6 more. Segregation with disease observed. Not counted in ClinVar's aggregate classification.

Literature cited by the submitters: PubMed 29727687 (cited by 4 submitters); PubMed 30690203 (cited by OLLIN Analises Genomicas, OLLIN and Labcorp Genetics (formerly Invitae), Labcorp); PubMed 30125339 (cited by OLLIN Analises Genomicas, OLLIN and 3billion); PubMed 35893425 (cited by OLLIN Analises Genomicas, OLLIN); PubMed 33040083 (cited by OLLIN Analises Genomicas, OLLIN); PubMed 34782754 (cited by Equipe Genetique des Anomalies du Developpement, Université de Bourgogne); Bizzari, S., Hamzeh, A. R., Mohamed, M., Al-Ali, M. T., Bastaki, F. Expanded PCH1D phenotype linked to EXOSC9 mutation. Europ. J. Med. Genet. 63: 103622, 2020. Note: Electronic Article. (cited by OMIM).